The following is an entry in ClinVar:

ClinVar aggregate classification (germline): Uncertain significance (1 of 4 stars; one submission).

Allele frequency attached by ClinVar (database versions not stated): ExAC 0.00001; gnomAD 0.00001; gnomAD exomes 0.00001; TOPMed 0.00001.
gnomAD v4.1: 15 of 1,613,962 alleles (0.00093%); highest among the groups gnomAD compares: East Asian, 0.0022%; no homozygotes.

Submission:

Labcorp Genetics (formerly Invitae), Labcorp
Classification: Uncertain significance. Last evaluated: 2022-04-11. Review status: criteria provided, single submitter. Criteria: Invitae Variant Classification Sherloc (09022015). Collection method: clinical testing. Allele origin: germline.
Comment: This sequence change replaces arginine, which is basic and polar, with cysteine, which is neutral and slightly polar, at codon 820 of the PRPF8 protein (p.Arg820Cys). In summary, the available evidence is currently insufficient to determine the role of this variant in disease. Therefore, it has been classified as a Variant of Uncertain Significance. Algorithms developed to predict the effect of missense changes on protein structure and function are either unavailable or do not agree on the potential impact of this missense change (SIFT: "Deleterious"; PolyPhen-2: "Probably Damaging"; Align-GVGD: "Class C0"). This variant has not been reported in the literature in individuals affected with PRPF8-related conditions. This variant is present in population databases (rs747118740, gnomAD 0.005%).

NM_006445.4(PRPF8):c.2458C>T (p.Arg820Cys)

Gene: PRPF8 (pre-mRNA processing factor 8; minus strand). Cytogenetic location: 17p13.3.
Variant type: single nucleotide variant.
Coding change: c.2458C>T on transcript NM_006445.4 (MANE Select); coding-DNA position 2458, C replaced by T.
Protein change: p.Arg820Cys; replaces arginine 820 with cysteine.
Molecular consequence: missense variant.
Genome position (GRCh38, 1-based): chr17:1,676,301, G>A on the plus strand (C>T on the coding strand, the complement: PRPF8 is on the minus strand). VCF-style: chr17-1676301-G-A. GRCh37 (hg19) VCF-style: chr17-1579595-G-A.
Other names: short protein forms R820C.
Identifiers: ClinVar variation 1959358 (VCV001959358.5), dbSNP rs747118740, ClinGen allele CA8272116.
Genomic context (GRCh38, chr17:1,676,301, plus strand): 5'-TGAGCAACTTGGTGTCATGCTTATAGGAGAGTGGGGGGAATGGGATGGGTGAAAACCTGC[G>A]GCTTTCCAACCAATGCACTGTGGTGGTATATACTGCCACTGCTTCCTCCGCTGTGATGTA-3'
Protein context (NP_006436.3, residues 810-830): YTTTVHWLES[Arg820Cys]RFSPIPFPPL